The following is an entry in ClinVar:

NM_000276.4(OCRL):c.904G>T (p.Glu302Ter)

Gene: OCRL (OCRL inositol polyphosphate-5-phosphatase; plus strand). Cytogenetic location: Xq26.1.
Variant type: single nucleotide variant.
Coding change: c.904G>T on transcript NM_000276.4 (MANE Select); coding-DNA position 904, G replaced by T.
Protein change: p.Glu302Ter; replaces glutamic acid 302 with a stop codon.
Molecular consequence: nonsense.
Genome position (GRCh38, 1-based): chrX:129,561,258, G>T. VCF-style: chrX-129561258-G-T. GRCh37 (hg19) VCF-style: chrX-128695235-G-T.
Other names: c.907G>T, p.Glu303Ter (NM_001318784.2); c.904G>T, p.Glu302Ter (NM_001587.4); short protein forms E303*, E302*.
Identifiers: ClinVar variation 1458671 (VCV001458671.6), dbSNP rs2124404819, ClinGen allele CA414552350.

ClinVar aggregate classification (germline): Pathogenic (1 of 4 stars; one submission).

Conditions:
Lowe syndrome (OCRL). Also called: Oculocerebrorenal Syndrome; LOWE OCULOCEREBRORENAL SYNDROME; PHOSPHATIDYLINOSITOL 4,5-BISPHOSPHATE 5-PHOSPHATASE DEFICIENCY. Identifiers: Orphanet 534, MedGen C0028860, MONDO:0010645, OMIM 309000.

Submission:

Labcorp Genetics (formerly Invitae), Labcorp
Classification: Pathogenic for Lowe syndrome. Last evaluated: 2021-11-14. Review status: criteria provided, single submitter. Criteria: Invitae Variant Classification Sherloc (09022015). Collection method: clinical testing. Allele origin: germline.
Comment: This sequence change creates a premature translational stop signal (p.Glu302*) in the OCRL gene. It is expected to result in an absent or disrupted protein product. Loss-of-function variants in OCRL are known to be pathogenic (PMID: 19390221, 21031565, 22381590). This variant is not present in population databases (gnomAD no frequency). For these reasons, this variant has been classified as Pathogenic. This premature translational stop signal has been observed in individual(s) with Lowe syndrome (PMID: 18500547). This variant is also known as c.853G>T p.Glu285X.

Literature cited by the submitters: PubMed 19390221; PubMed 21031565; PubMed 22381590; PubMed 18500547.